The following is an entry in ClinVar:

ClinVar aggregate classification (germline): Uncertain significance (1 of 4 stars; one submission).

Allele frequency attached by ClinVar (database versions not stated): TOPMed below 0.00001; gnomAD 0.00001.
gnomAD v4.1: 1 of 1,613,640 alleles (0.000062%); highest among the groups gnomAD compares: African/African-American, 0.0013%; no homozygotes.

Submission:

Ambry Genetics
Classification: Uncertain significance. Last evaluated: 2023-10-13. Review status: criteria provided, single submitter. Criteria: Ambry Variant Classification Scheme 2023. Collection method: clinical testing. Allele origin: germline.
Comment: The p.I2012V variant (also known as c.6034A>G), located in coding exon 10 of the ALPK2 gene, results from an A to G substitution at nucleotide position 6034. The isoleucine at codon 2012 is replaced by valine, an amino acid with highly similar properties. This amino acid position is conserved. In addition, this alteration is predicted to be tolerated by in silico analysis. Since supporting evidence is limited at this time, the clinical significance of this alteration remains unclear.

NM_052947.4(ALPK2):c.6034A>G (p.Ile2012Val)

Gene: ALPK2 (alpha kinase 2; minus strand). Cytogenetic location: 18q21.31.
Variant type: single nucleotide variant.
Coding change: c.6034A>G on transcript NM_052947.4 (MANE Select); coding-DNA position 6034, A replaced by G.
Protein change: p.Ile2012Val; replaces isoleucine 2012 with valine.
Molecular consequence: missense variant.
Genome position (GRCh38, 1-based): chr18:58,504,144, T>C on the plus strand (A>G on the coding strand, the complement: ALPK2 is on the minus strand). VCF-style: chr18-58504144-T-C. GRCh37 (hg19) VCF-style: chr18-56171376-T-C.
Other names: short protein forms I2012V.
Identifiers: ClinVar variation 1751195 (VCV001751195.2), dbSNP rs1432045403, ClinGen allele CA402544630.